The following is an entry in ClinVar:

NM_207361.6(FREM2):c.8544+2T>C

Gene: FREM2 (FRAS1 related extracellular matrix 2; plus strand). Cytogenetic location: 13q13.3.
Variant type: single nucleotide variant.
Coding change: c.8544+2T>C on transcript NM_207361.6 (MANE Select); the canonical splice donor site of the intron after coding-DNA position 8544, T replaced by C.
Molecular consequence: splice donor variant.
Genome position (GRCh38, 1-based): chr13:38,876,384, T>C. VCF-style: chr13-38876384-T-C. GRCh37 (hg19) VCF-style: chr13-39450521-T-C.
Identifiers: ClinVar variation 2869510 (VCV002869510.3), dbSNP rs2541507566, ClinGen allele CA387906310.

ClinVar aggregate classification (germline): Likely pathogenic (1 of 4 stars; one submission).

Submission:

Labcorp Genetics (formerly Invitae), Labcorp
Classification: Likely pathogenic. Last evaluated: 2023-12-03. Review status: criteria provided, single submitter. Criteria: Invitae Variant Classification Sherloc (09022015). Collection method: clinical testing. Allele origin: germline.
Comment: This sequence change affects a donor splice site in intron 20 of the FREM2 gene. It is expected to disrupt RNA splicing. Variants that disrupt the donor or acceptor splice site typically lead to a loss of protein function (PMID: 16199547), and loss-of-function variants in FREM2 are known to be pathogenic (PMID: 18203166, 26552811). This variant is not present in population databases (gnomAD no frequency). This variant has not been reported in the literature in individuals affected with FREM2-related conditions. Algorithms developed to predict the effect of sequence changes on RNA splicing suggest that this variant may disrupt the consensus splice site. In summary, the currently available evidence indicates that the variant is pathogenic, but additional data are needed to prove that conclusively. Therefore, this variant has been classified as Likely Pathogenic.

Literature cited by the submitters: PubMed 16199547; PubMed 18203166; PubMed 26552811.